The following is an entry in ClinVar:

NM_012186.3(FOXE3):c.639C>A (p.Pro213=)

Genes: FOXE3 (forkhead box E3; plus strand), LINC01389 (long independently transcribed non-coding RNA 1389; minus strand). Cytogenetic location: 1p33.
Variant type: single nucleotide variant.
Coding change: c.639C>A on transcript NM_012186.3 (MANE Select); coding-DNA position 639, C replaced by A.
Protein change: p.Pro213=; no amino-acid change (proline 213 retained).
Molecular consequence: synonymous variant.
Genome position (GRCh38, 1-based): chr1:47,416,954, C>A. VCF-style: chr1-47416954-C-A. GRCh37 (hg19) VCF-style: chr1-47882626-C-A.
Identifiers: ClinVar variation 3751577 (VCV003751577.2).

ClinVar aggregate classification (germline): Uncertain significance (1 of 4 stars; one submission).

Conditions:
Congenital primary aphakia. Also called: Anterior segment dysgenesis 2, multiple subtypes; ANTERIOR SEGMENT DYSGENESIS 2. Identifiers: Orphanet 83461, MedGen C1853230, MONDO:0012456, OMIM 610256.
Anterior segment dysgenesis. Also called: Ocular anterior segment dysgenesis. Identifiers: Orphanet 88632, MedGen C1862839, MONDO:0019503, HP:0007700.

Submission:

Labcorp Genetics (formerly Invitae), Labcorp
Classification: Uncertain significance for Anterior segment dysgenesis; Congenital primary aphakia. Last evaluated: 2024-05-08. Review status: criteria provided, single submitter. Criteria: Invitae Variant Classification Sherloc (09022015). Collection method: clinical testing. Allele origin: germline.
Comment: This sequence change affects codon 213 of the FOXE3 mRNA. It is a 'silent' change, meaning that it does not change the encoded amino acid sequence of the FOXE3 protein. This variant is not present in population databases (gnomAD no frequency). This variant has not been reported in the literature in individuals affected with FOXE3-related conditions. In summary, the available evidence is currently insufficient to determine the role of this variant in disease. Therefore, it has been classified as a Variant of Uncertain Significance.